The following is an entry in ClinVar:

ClinVar aggregate classification (germline): Uncertain significance (1 of 4 stars; one submission).

Conditions:
2-aminoadipic 2-oxoadipic aciduria (AAKAD). Also called: Aminoadipic aciduria; ALPHA-AMINOADIPIC AND ALPHA-KETOADIPIC ACIDURIA. Identifiers: Orphanet 79154, MedGen C1859817, MONDO:0008774, OMIM 204750.

Submission:

Labcorp Genetics (formerly Invitae), Labcorp
Classification: Uncertain significance for 2-aminoadipic 2-oxoadipic aciduria. Last evaluated: 2021-10-29. Review status: criteria provided, single submitter. Criteria: Invitae Variant Classification Sherloc (09022015). Collection method: clinical testing. Allele origin: germline.
Comment: This sequence change replaces leucine, which is neutral and non-polar, with phenylalanine, which is neutral and non-polar, at codon 688 of the DHTKD1 protein (p.Leu688Phe). This variant has not been reported in the literature in individuals affected with DHTKD1-related conditions. This variant is not present in population databases (gnomAD no frequency). In summary, the available evidence is currently insufficient to determine the role of this variant in disease. Therefore, it has been classified as a Variant of Uncertain Significance. Algorithms developed to predict the effect of missense changes on protein structure and function are either unavailable or do not agree on the potential impact of this missense change (SIFT: "Tolerated"; PolyPhen-2: "Possibly Damaging"; Align-GVGD: "Class C0").

NM_018706.7(DHTKD1):c.2062C>T (p.Leu688Phe)

Gene: DHTKD1 (dehydrogenase E1 and transketolase domain containing 1; plus strand). Cytogenetic location: 10p14.
Variant type: single nucleotide variant.
Coding change: c.2062C>T on transcript NM_018706.7 (MANE Select); coding-DNA position 2062, C replaced by T.
Protein change: p.Leu688Phe; replaces leucine 688 with phenylalanine.
Molecular consequence: missense variant.
Genome position (GRCh38, 1-based): chr10:12,107,923, C>T. VCF-style: chr10-12107923-C-T. GRCh37 (hg19) VCF-style: chr10-12149922-C-T.
Other names: short protein forms L688F.
Identifiers: ClinVar variation 1390103 (VCV001390103.6), dbSNP rs2131620901, ClinGen allele CA376012246.
Genomic context (GRCh38, chr10:12,107,923, plus strand): 5'-GTCCCCGCTTCGTAGAGCTCTTACTCCCCACGTGGTACTTTTCCAGGAGAGGCCAAGTGG[C>T]TCCTACAAAGCGGCATCGTCATCCTCCTTCCACATGGCTACGATGGGGCTGGGCCAGACC-3'
Protein context (NP_061176.4, residues 678-698): TFISGGEAKW[Leu688Phe]LQSGIVILLP